The following is an entry in ClinVar:

NM_000124.4(ERCC6):c.1146G>A (p.Glu382=)

Gene: ERCC6 (ERCC excision repair 6, chromatin remodeling factor; minus strand). Cytogenetic location: 10q11.23.
Variant type: single nucleotide variant.
Coding change: c.1146G>A on transcript NM_000124.4 (MANE Select); coding-DNA position 1146, G replaced by A.
Protein change: p.Glu382=; no amino-acid change (glutamic acid 382 retained).
Molecular consequence: synonymous variant.
Genome position (GRCh38, 1-based): chr10:49,524,284, C>T on the plus strand (G>A on the coding strand, the complement: ERCC6 is on the minus strand). VCF-style: chr10-49524284-C-T. GRCh37 (hg19) VCF-style: chr10-50732330-C-T.
Other names: c.1146G>A, p.Glu382= (NM_001277058.2, NM_001277059.2, NM_001346440.2).
Identifiers: ClinVar variation 300089 (VCV000300089.18), dbSNP rs4253045, ClinGen allele CA5496383.

ClinVar aggregate classification (germline): Benign/Likely benign. Review status: criteria provided, multiple submitters, no conflicts (2 of 4 stars). 6 submissions from 4 submitters: Benign (4); Likely benign (2). Last evaluated 2026-02-02.

Conditions:
Age related macular degeneration 5. Identifiers: MedGen C3151063, MONDO:0013409, OMIM 613761.
Cockayne syndrome type 2 (CSB). Also called: Cockayne Syndrome, Type II; COCKAYNE SYNDROME B. Identifiers: Orphanet 191, Orphanet 90322, MedGen C0751038, MONDO:0019570, OMIM 133540.
Cerebrooculofacioskeletal syndrome 1 (COFS1). Also called: Cerebro-oculo-facio-skeletal syndrome 1. Identifiers: MedGen C0220722, MONDO:0008955, OMIM 214150.

Allele frequency attached by ClinVar (database versions not stated): gnomAD exomes 0.00089 and 0.00191; ExAC 0.00245; 1000 Genomes Project 0.00579; 1000 Genomes Project 30x 0.00609; gnomAD 0.00645 and 0.00681; TOPMed 0.00678; ESP Exome Variant Server 0.00730.
gnomAD v4.1: 2,374 of 1,613,994 alleles (0.15%); highest among the groups gnomAD compares: African/African-American, 2.1%; 22 homozygotes.

Submissions (6):

Labcorp Genetics (formerly Invitae), Labcorp
Classification: Benign. Last evaluated: 2026-02-02. Review status: criteria provided, single submitter. Criteria: Invitae Variant Classification Sherloc (09022015). Collection method: clinical testing. Allele origin: germline.

GeneDx
Classification: Likely benign. Last evaluated: 2021-04-02. Review status: criteria provided, single submitter. Criteria: GeneDx Variant Classification Process June 2021. Collection method: clinical testing. Allele origin: germline. Affected: yes.

Illumina Laboratory Services, Illumina
Classification: Benign for Age related macular degeneration 5. Last evaluated: 2018-01-13. Review status: criteria provided, single submitter. Criteria: ICSL Variant Classification Criteria 13 December 2019. Collection method: clinical testing. Allele origin: germline.
Comment: This variant was observed in the ICSL laboratory as part of a predisposition screen in an ostensibly healthy population. It had not been previously curated by ICSL or reported in the Human Gene Mutation Database (HGMD: prior to June 1st, 2018), and was therefore a candidate for classification through an automated scoring system. Utilizing variant allele frequency, disease prevalence and penetrance estimates, and inheritance mode, an automated score was calculated to assess if this variant is too frequent to cause the disease. Based on the score and internal cut-off values, a variant classified as benign is not then subjected to further curation. The score for this variant resulted in a classification of benign for this disease.

Illumina Laboratory Services, Illumina
Classification: Benign for Cerebrooculofacioskeletal syndrome 1. Last evaluated: 2018-01-13. Review status: criteria provided, single submitter. Criteria: ICSL Variant Classification Criteria 13 December 2019. Collection method: clinical testing. Allele origin: germline.
Comment: the same text as in the submission from Illumina Laboratory Services, Illumina above.

Illumina Laboratory Services, Illumina
Classification: Benign for Cockayne syndrome type 2. Last evaluated: 2018-01-13. Review status: criteria provided, single submitter. Criteria: ICSL Variant Classification Criteria 13 December 2019. Collection method: clinical testing. Allele origin: germline.
Comment: the same text as in the submission from Illumina Laboratory Services, Illumina above.

Breakthrough Genomics
Classification: Likely benign. Review status: criteria provided, single submitter. Criteria: ACMG Guidelines, 2015. Collection method: not provided. Allele origin: germline. Inheritance: Autosomal recessive inheritance. Affected: yes.